The following is an entry in ClinVar:

ClinVar aggregate classification (germline): Likely benign. Review status: criteria provided, multiple submitters, no conflicts (2 of 4 stars). 6 submissions from 6 submitters: Likely benign (6). Last evaluated 2026-08-01.

Conditions:
Malignant hyperthermia, susceptibility to, 1 (MHS1). Also called: Malignant hyperthermia suceptibility 1; RYR1-Related Malignant Hyperthermia Susceptibility; Anesthesia related hyperthermia; Malignant hyperpyrexia; Fulminating hyperpyrexia; Pharmacogenic myopathy. Identifiers: Orphanet 423, MedGen C2930980, MONDO:0007783, OMIM 145600.
RYR1-related disorder. Also called: RYR1-related condition; RYR1-related disorders. Identifiers: MedGen CN239331.

Allele frequency attached by ClinVar (database versions not stated): gnomAD 0.00001 and 0.00003; TOPMed 0.00002; gnomAD exomes 0.00008; ExAC 0.00012; 1000 Genomes Project 30x 0.00016; 1000 Genomes Project 0.00020.
gnomAD v4.1: 45 of 1,614,066 alleles (0.0028%); highest among the groups gnomAD compares: South Asian, 0.026%; no homozygotes.

Submissions (6):

CeGaT Center for Human Genetics Tuebingen
Classification: Likely benign. Last evaluated: 2026-08-01. Review status: criteria provided, single submitter. Criteria: CeGaT Center For Human Genetics Tuebingen Variant Classification Criteria Version 2. Collection method: clinical testing. Allele origin: germline. Affected: yes. Observed: 1 variant allele.
Comment: RYR1: BP4, BP7

Labcorp Genetics (formerly Invitae), Labcorp
Classification: Likely benign for RYR1-related disorder. Last evaluated: 2025-11-03. Review status: criteria provided, single submitter. Criteria: Invitae Variant Classification Sherloc (09022015). Collection method: clinical testing. Allele origin: germline.

Blueprint Genetics
Classification: Likely benign. Last evaluated: 2024-11-26. Review status: criteria provided, single submitter. Criteria: ACMG Guidelines, 2015. Collection method: clinical testing. Allele origin: germline.

All of Us Research Program, National Institutes of Health
Classification: Likely benign for Malignant hyperthermia, susceptibility to, 1. Last evaluated: 2023-08-15. Review status: criteria provided, single submitter. Criteria: ACMG Guidelines, 2015. Collection method: clinical testing. Allele origin: germline. Inheritance: Autosomal dominant inheritance. Observed: 1 variant allele, 1 heterozygote.
Comment: This study involves interpretation of variants in research participants for the purpose of population health screening. Participant phenotype was not available at the time of variant classification. Additional details can be found in publication PMID: 35346344, PMCID: PMC8962531

Color Diagnostics, LLC DBA Color Health
Classification: Likely benign for Malignant hyperthermia, susceptibility to, 1. Last evaluated: 2022-11-06. Review status: criteria provided, single submitter. Criteria: ACMG Guidelines, 2015. Collection method: clinical testing. Allele origin: germline.

GeneDx
Classification: Likely benign. Last evaluated: 2017-05-01. Review status: criteria provided, single submitter. Criteria: GeneDx Variant Classification (06012015). Collection method: clinical testing. Allele origin: germline. Affected: yes.
Comment: This variant is considered likely benign or benign based on one or more of the following criteria: it is a conservative change, it occurs at a poorly conserved position in the protein, it is predicted to be benign by multiple in silico algorithms, and/or has population frequency not consistent with disease.

NM_000540.3(RYR1):c.14286G>A (p.Pro4762=)

Gene: RYR1 (ryanodine receptor 1; plus strand). Cytogenetic location: 19q13.2.
Variant type: single nucleotide variant.
Coding change: c.14286G>A on transcript NM_000540.3 (MANE Select); coding-DNA position 14286, G replaced by A.
Protein change: p.Pro4762=; no amino-acid change (proline 4762 retained).
Molecular consequence: synonymous variant.
Genome position (GRCh38, 1-based): chr19:38,578,031, G>A. VCF-style: chr19-38578031-G-A. GRCh37 (hg19) VCF-style: chr19-39068671-G-A.
Other names: c.14271G>A, p.Pro4757= (NM_001042723.2).
Identifiers: ClinVar variation 509173 (VCV000509173.14), dbSNP rs541627923, ClinGen allele CA061044.
Genomic context (GRCh38, chr19:38,578,031, plus strand): 5'-GGGCATGGACCTGGCCACACTAGAGATCACAGCCCACAATGAGCGCAAGCCCAACCCGCC[G>A]CCAGGGCTGCTGACCTGGTGAGCCCAGGACACCCCTGCACAGGCCTGGGGCATGCAGGGG-3'
Protein context (NP_000531.2, residues 4752-4772): TAHNERKPNP[Pro4762=]PGLLTWLMSI